The following is an entry in ClinVar:

NM_000443.4(ABCB4):c.3840A>G (p.Ter1280Trp)

Gene: ABCB4 (ATP binding cassette subfamily B member 4; minus strand). Cytogenetic location: 7q21.12.
Variant type: single nucleotide variant.
Coding change: c.3840A>G on transcript NM_000443.4 (MANE Select); coding-DNA position 3840, A replaced by G.
Protein change: p.Ter1280Trp.
Molecular consequence: stop lost.
Genome position (GRCh38, 1-based): chr7:87,402,096, T>C on the plus strand (A>G on the coding strand, the complement: ABCB4 is on the minus strand). VCF-style: chr7-87402096-T-C. GRCh37 (hg19) VCF-style: chr7-87031412-T-C.
Other names: c.3861A>G, p.Ter1287Trp (NM_018849.3); c.3699A>G, p.Ter1233Trp (NM_018850.3).
Identifiers: ClinVar variation 4995076 (VCV004995076.1).
Genomic context (GRCh38, chr7:87,402,096, plus strand): 5'-AAGTCAGATAAAATGGTAGAATAATTTGAATTTATTTTTAAAATATACTGTAGCAAAAGT[T>C]CATAAGTTCTGTGTCCCAGCCTGGACACTGACCATTGAAAAATAGATGCCTTTCTGTGCC-3'

ClinVar aggregate classification (germline): Uncertain significance (1 of 4 stars; one submission).

Conditions:
ABCB4-related disorder. Also called: ABCB4-related disorders; ABCB4-related condition.

gnomAD v4.1: 1 of 1,614,138 alleles (0.000062%); highest among the groups gnomAD compares: East Asian, 0.0022%; no homozygotes.

Submission:

PreventionGenetics, part of Exact Sciences
Classification: Uncertain significance for ABCB4-related condition. Last evaluated: 2026-09-01. Review status: criteria provided, single submitter. Criteria: ACMG Guidelines, 2015. Collection method: clinical testing. Allele origin: germline.
Comment: The ABCB4 c.3840A>G variant is predicted to result in extension of the open reading frame (p.*1280Trpext*19). To our knowledge, this variant has not been reported in the literature. This variant is reported in 0.0054% of alleles in individuals of East Asian descent in gnomAD. Other nucleotide substitutions leading to a similar protein extension effect (such as p.*1280Argext*19 and p.*1280Argext*20) have been reported in multiple individuals with progressive familial intrahepatic cholestasis (for example, see Chinnaratha et al. 2013. PubMed ID: 23574360; Hakim et al. 2019. PubMed ID: 31000363; Table1, Bakır et al. 2021. PubMed ID: 34961929). Although we suspect this variant may be pathogenic, at this time, the clinical significance of the c.3840A>G (p.*1280Trpext*19) variant is uncertain due to the absence of conclusive functional and genetic evidence.